The following is an entry in ClinVar:

ClinVar aggregate classification (germline): Pathogenic (1 of 4 stars; one submission).

Conditions:
Hereditary breast ovarian cancer syndrome. Also called: Breast and ovarian cancer; BRCA1- and BRCA2-Associated Hereditary Breast and Ovarian Cancer; Hereditary breast and ovarian cancer; Hereditary breast and/or ovarian cancer syndrome; Hereditary breast and ovarian cancer syndrome; Hereditary breast and ovarian cancer syndrome (HBOC). Identifiers: Orphanet 145, MedGen C0677776, MeSH D061325, MONDO:0003582. Disease mechanism: loss of function.

Submission:

Labcorp Genetics (formerly Invitae), Labcorp
Classification: Pathogenic for Hereditary breast ovarian cancer syndrome. Last evaluated: 2022-06-29. Review status: criteria provided, single submitter. Criteria: Invitae Variant Classification Sherloc (09022015). Collection method: clinical testing. Allele origin: germline.
Comment: For these reasons, this variant has been classified as Pathogenic. This variant has not been reported in the literature in individuals affected with BRCA2-related conditions. This variant is a gross deletion of the genomic region encompassing exon(s) 1-3 of the BRCA2 gene, which includes the initiator codon. This deletion extends beyond the assayed region for this gene and therefore may encompass additional genes. It is expected to result in an absent or disrupted protein product. Loss-of-function variants in BRCA2 are known to be pathogenic (PMID: 20104584).

Literature cited by the submitters: PubMed 20104584.

NC_000013.11:g.(?_32315480)_(32319345_?)del

Genes: BRCA2 (BRCA2 DNA repair associated; plus strand), LOC106721785 (BRCA2 promoter/silencer region; plus strand), LOC130009523 (ATAC-STARR-seq lymphoblastoid active region 7554; plus strand). Cytogenetic location: 13q13.1.
Variant type: Deletion.
Identifiers: ClinVar variation 652952 (VCV000652952.9).